The following is an entry in ClinVar:

ClinVar aggregate classification (germline): Likely benign. Review status: criteria provided, multiple submitters, no conflicts (2 of 4 stars). 4 submissions from 4 submitters: Likely benign (3). 1 of the submissions does not count toward it. Last evaluated 2026-01-26.

Conditions:
CEP164-related disorder. Also called: CEP164-related condition.
Nephronophthisis 15 (NPHP15). Identifiers: Orphanet 3156, MedGen C3541853, MONDO:0013917, OMIM 614845.

Allele frequency attached by ClinVar (database versions not stated): gnomAD exomes 0.00007 and 0.00024; ExAC 0.00031; ESP Exome Variant Server 0.00031; gnomAD 0.00074 and 0.00076; TOPMed 0.00079; 1000 Genomes Project 0.00220; 1000 Genomes Project 30x 0.00234.
gnomAD v4.1: 214 of 1,613,712 alleles (0.013%); highest among the groups gnomAD compares: African/African-American, 0.23%; no homozygotes.

Submissions (4):

Labcorp Genetics (formerly Invitae), Labcorp
Classification: Likely benign for Nephronophthisis 15. Last evaluated: 2026-01-26. Review status: criteria provided, single submitter. Criteria: Invitae Variant Classification Sherloc (09022015). Collection method: clinical testing. Allele origin: germline.

Blueprint Genetics
Classification: Likely benign. Last evaluated: 2024-11-27. Review status: criteria provided, single submitter. Criteria: ACMG Guidelines, 2015. Collection method: clinical testing. Allele origin: germline.

Breakthrough Genomics
Classification: Likely benign. Review status: criteria provided, single submitter. Criteria: ACMG Guidelines, 2015. Collection method: not provided. Allele origin: germline. Inheritance: Autosomal recessive inheritance. Affected: yes.

PreventionGenetics, part of Exact Sciences
Classification: Likely benign for CEP164-related condition. Last evaluated: 2024-08-23. Review status: no assertion criteria provided. Collection method: clinical testing. Allele origin: germline. Not counted in ClinVar's aggregate classification.
Comment: This variant is classified as likely benign based on ACMG/AMP sequence variant interpretation guidelines (Richards et al. 2015 PMID: 25741868, with internal and published modifications).

NM_014956.5(CEP164):c.3019C>T (p.Arg1007Cys)

Gene: CEP164 (centrosomal protein 164; plus strand). Cytogenetic location: 11q23.3.
Variant type: single nucleotide variant.
Coding change: c.3019C>T on transcript NM_014956.5 (MANE Select); coding-DNA position 3019, C replaced by T.
Protein change: p.Arg1007Cys; replaces arginine 1007 with cysteine.
Molecular consequence: missense variant.
Genome position (GRCh38, 1-based): chr11:117,395,652, C>T. VCF-style: chr11-117395652-C-T. GRCh37 (hg19) VCF-style: chr11-117266368-C-T.
Other names: c.3028C>T, p.Arg1010Cys (NM_001271933.2); short protein forms R1007C, R1010C.
Identifiers: ClinVar variation 772991 (VCV000772991.14), dbSNP rs115387935, ClinGen allele CA6295302.
Genomic context (GRCh38, chr11:117,395,652, plus strand): 5'-CACACCCACCTGTTGCAGTCAAACCAGCAGCTCCGAGAAATTCTTGATGAGCTGCAGGCC[C>T]GCAAGCTGAAGCTGGAGTCCCAAGTGGATCTGCTGCAGGCTCAGAGCCAGCAACTGCAGA-3'
Protein context (NP_055771.4, residues 997-1017): LREILDELQA[Arg1007Cys]KLKLESQVDL